The following is an entry in ClinVar:

NM_025009.5(CEP135):c.64C>T (p.Arg22Cys)

Gene: CEP135 (centrosomal protein 135; plus strand). Cytogenetic location: 4q12.
Variant type: single nucleotide variant.
Coding change: c.64C>T on transcript NM_025009.5 (MANE Select); coding-DNA position 64, C replaced by T.
Protein change: p.Arg22Cys; replaces arginine 22 with cysteine.
Molecular consequence: missense variant.
Genome position (GRCh38, 1-based): chr4:55,952,194, C>T. VCF-style: chr4-55952194-C-T. GRCh37 (hg19) VCF-style: chr4-56818360-C-T.
Other names: short protein forms R22C.
Identifiers: ClinVar variation 726147 (VCV000726147.18), dbSNP rs150681316, ClinGen allele CA2927453.

ClinVar aggregate classification (germline): Conflicting classifications of pathogenicity. Review status: criteria provided, conflicting classifications (1 of 4 stars). 4 submissions from 4 submitters: Uncertain significance (2); Likely benign (1). 1 of the submissions does not count toward it. Last evaluated 2026-01-21.

Conditions:
CEP135-related disorder. Also called: CEP135-related condition.

Allele frequency attached by ClinVar (database versions not stated): ExAC 0.00031; gnomAD 0.00101 and 0.00107; ESP Exome Variant Server 0.00108; 1000 Genomes Project 30x 0.00109; TOPMed 0.00111; 1000 Genomes Project 0.00120.

Submissions (4):

Labcorp Genetics (formerly Invitae), Labcorp
Classification: Likely benign. Last evaluated: 2026-01-21. Review status: criteria provided, single submitter. Criteria: Invitae Variant Classification Sherloc (09022015). Collection method: clinical testing. Allele origin: germline.

GeneDx
Classification: Uncertain significance. Last evaluated: 2019-11-06. Review status: criteria provided, single submitter. Criteria: GeneDx Variant Classification Process June 2021. Collection method: clinical testing. Allele origin: germline. Affected: yes.
Comment: In silico analysis, which includes protein predictors and evolutionary conservation, supports a deleterious effect; Has not been previously published as pathogenic or benign to our knowledge

Genetic Services Laboratory, University of Chicago
Classification: Uncertain significance. Last evaluated: 2018-01-19. Review status: criteria provided, single submitter. Criteria: ACMG Guidelines, 2015. Collection method: clinical testing. Allele origin: germline. Affected: no.

PreventionGenetics, part of Exact Sciences
Classification: Likely benign for CEP135-related condition. Last evaluated: 2022-02-03. Review status: no assertion criteria provided. Collection method: clinical testing. Allele origin: germline. Not counted in ClinVar's aggregate classification.
Comment: This variant is classified as likely benign based on ACMG/AMP sequence variant interpretation guidelines (Richards et al. 2015 PMID: 25741868, with internal and published modifications).